The following is an entry in ClinVar:

NM_001364905.1(LRBA):c.6718A>G (p.Thr2240Ala)

Gene: LRBA (LPS responsive beige-like anchor protein; minus strand). Cytogenetic location: 4q31.3.
Variant type: single nucleotide variant.
Coding change: c.6718A>G on transcript NM_001364905.1 (MANE Select); coding-DNA position 6718, A replaced by G.
Protein change: p.Thr2240Ala; replaces threonine 2240 with alanine.
Molecular consequence: missense variant.
Genome position (GRCh38, 1-based): chr4:150,467,735, T>C on the plus strand (A>G on the coding strand, the complement: LRBA is on the minus strand). VCF-style: chr4-150467735-T-C. GRCh37 (hg19) VCF-style: chr4-151388887-T-C.
Other names: c.6718A>G, p.Thr2240Ala (NM_001199282.3, NM_001367550.1); c.6751A>G, p.Thr2251Ala (NM_006726.5); short protein forms T2240A, T2251A.
Identifiers: ClinVar variation 663059 (VCV000663059.9), dbSNP rs202061746, ClinGen allele CA3101841.

ClinVar aggregate classification (germline): Uncertain significance. Review status: criteria provided, multiple submitters, no conflicts (2 of 4 stars). 2 submissions from 2 submitters: Uncertain significance (2). Last evaluated 2025-02-19.

Conditions:
Inborn genetic diseases. Identifiers: MedGen C0950123, MeSH D030342.
Combined immunodeficiency due to LRBA deficiency. Also called: Common variable immunodeficiency 8, with autoimmunity. Identifiers: Orphanet 445018, MedGen C3553512, MONDO:0013863, OMIM 614700.

Allele frequency attached by ClinVar (database versions not stated): ExAC 0.00001; gnomAD 0.00001; gnomAD exomes 0.00001 and 0.00002; TOPMed 0.00003; ESP Exome Variant Server 0.00008.
gnomAD v4.1: 22 of 1,609,624 alleles (0.0014%); highest among the groups gnomAD compares: East Asian, 0.0022%; no homozygotes.

Submissions (2):

Ambry Genetics
Classification: Uncertain significance for Inborn genetic diseases. Last evaluated: 2025-02-19. Review status: criteria provided, single submitter. Criteria: Ambry Variant Classification Scheme 2023. Collection method: clinical testing. Allele origin: germline.

Labcorp Genetics (formerly Invitae), Labcorp
Classification: Uncertain significance for Combined immunodeficiency due to LRBA deficiency. Last evaluated: 2021-08-30. Review status: criteria provided, single submitter. Criteria: Invitae Variant Classification Sherloc (09022015). Collection method: clinical testing. Allele origin: germline.
Comment: This sequence change replaces threonine with alanine at codon 2251 of the LRBA protein (p.Thr2251Ala). The threonine residue is moderately conserved and there is a small physicochemical difference between threonine and alanine. This variant is present in population databases (rs202061746, ExAC 0.002%). This variant has not been reported in the literature in individuals affected with LRBA-related conditions. Algorithms developed to predict the effect of missense changes on protein structure and function are either unavailable or do not agree on the potential impact of this missense change (SIFT: "Tolerated"; PolyPhen-2: "Probably Damaging"; Align-GVGD: "Class C0"). In summary, the available evidence is currently insufficient to determine the role of this variant in disease. Therefore, it has been classified as a Variant of Uncertain Significance.